The following is an entry in ClinVar:

NM_001103.4(ACTN2):c.919C>T (p.Arg307Trp)

Gene: ACTN2 (actinin alpha 2; plus strand). Cytogenetic location: 1q43.
Variant type: single nucleotide variant.
Coding change: c.919C>T on transcript NM_001103.4 (MANE Select); coding-DNA position 919, C replaced by T.
Protein change: p.Arg307Trp; replaces arginine 307 with tryptophan.
Molecular consequence: missense variant. On other transcripts: non-coding transcript variant (1).
Genome position (GRCh38, 1-based): chr1:236,739,344, C>T. VCF-style: chr1-236739344-C-T. GRCh37 (hg19) VCF-style: chr1-236902644-C-T.
Other names: c.919C>T, p.Arg307Trp (NM_001278343.2); short protein forms R307W.
Identifiers: ClinVar variation 4783631 (VCV004783631.1).

ClinVar aggregate classification (germline): Uncertain significance (1 of 4 stars; one submission).

Conditions:
Primary familial hypertrophic cardiomyopathy (HCM). Identifiers: Orphanet 99739, MedGen C0949658, MeSH D024741, MONDO:0024573. Inheritance: Various modes of inheritance.
Dilated cardiomyopathy 1AA (CMD1AA). Also called: CARDIOMYOPATHY, DILATED, 1AA, WITH OR WITHOUT LEFT VENTRICULAR NONCOMPACTION; CARDIOMYOPATHY, FAMILIAL HYPERTROPHIC, 23, WITH OR WITHOUT LEFT VENTRICULAR NONCOMPACTION; Cardiomyopathy, dilated, 1AA, with or without LVNC. Identifiers: Orphanet 154, MedGen C2677338, MONDO:0012808, OMIM 612158.

Submission:

Labcorp Genetics (formerly Invitae), Labcorp
Classification: Uncertain significance for Primary familial hypertrophic cardiomyopathy; Dilated cardiomyopathy 1AA. Last evaluated: 2025-07-09. Review status: criteria provided, single submitter. Criteria: Invitae Variant Classification Sherloc (09022015). Collection method: clinical testing. Allele origin: germline.
Comment: This sequence change replaces arginine, which is basic and polar, with tryptophan, which is neutral and slightly polar, at codon 307 of the ACTN2 protein (p.Arg307Trp). This variant is present in population databases (rs752782663, gnomAD 0.01%). This variant has not been reported in the literature in individuals affected with ACTN2-related conditions. Invitae Evidence Modeling of protein sequence and biophysical properties (such as structural, functional, and spatial information, amino acid conservation, physicochemical variation, residue mobility, and thermodynamic stability) indicates that this missense variant is expected to disrupt ACTN2 protein function with a positive predictive value of 80%. In summary, the available evidence is currently insufficient to determine the role of this variant in disease. Therefore, it has been classified as a Variant of Uncertain Significance.